The following is an entry in ClinVar:

NM_000441.2(SLC26A4):c.2234C>T (p.Thr745Met)

Gene: SLC26A4 (solute carrier family 26 member 4; plus strand). Cytogenetic location: 7q22.3.
Variant type: single nucleotide variant.
Coding change: c.2234C>T on transcript NM_000441.2 (MANE Select); coding-DNA position 2234, C replaced by T.
Protein change: p.Thr745Met; replaces threonine 745 with methionine.
Molecular consequence: missense variant.
Genome position (GRCh38, 1-based): chr7:107,710,198, C>T. VCF-style: chr7-107710198-C-T. GRCh37 (hg19) VCF-style: chr7-107350643-C-T.
Other names: short protein forms T745M.
Identifiers: ClinVar variation 1309671 (VCV001309671.6), dbSNP rs781300835, ClinGen allele CA4433084.

ClinVar aggregate classification (germline): Uncertain significance. Review status: criteria provided, multiple submitters, no conflicts (2 of 4 stars). 4 submissions from 4 submitters: Uncertain significance (4). Last evaluated 2025-12-06.

Conditions:
Pendred syndrome (PDS). Also called: DEAFNESS WITH GOITER; GOITER-DEAFNESS SYNDROME; HYPOTHYROIDISM, CONGENITAL, DUE TO DYSHORMONOGENESIS, 2B; THYROID DYSHORMONOGENESIS 2B; THYROID HORMONOGENESIS, GENETIC DEFECT IN, 2B; Pendred's syndrome. Identifiers: Orphanet 705, MedGen C0271829, MONDO:0010134, OMIM 274600.
Autosomal recessive nonsyndromic hearing loss 4 (DFNB4). Also called: DEAFNESS, AUTOSOMAL RECESSIVE 4, WITH ENLARGED VESTIBULAR AQUEDUCT, DIGENIC; NEUROSENSORY NONSYNDROMIC RECESSIVE DEAFNESS 4; Nonsyndromic enlarged vestibular aqueduct (NSEVA); Deafness, autosomal recessive 4, with enlarged vestibular aqueduct; Deafness, autosomal recessive 4; Enlarged vestibular aqueduct, digenic. Identifiers: Orphanet 90636, MedGen C3538946, MONDO:0010933, OMIM 600791.
SLC26A4-related disorder. Also called: SLC26A4-related disorders; SLC26A4-related condition.

Allele frequency attached by ClinVar (database versions not stated): ExAC 0.00002; TOPMed 0.00002; gnomAD exomes 0.00003; gnomAD 0.00005 and 0.00006.
gnomAD v4.1: 65 of 1,589,918 alleles (0.0041%); highest among the groups gnomAD compares: South Asian, 0.0099%; no homozygotes.

Submissions (4):

PreventionGenetics, part of Exact Sciences
Classification: Uncertain significance for SLC26A4-related condition. Last evaluated: 2025-12-06. Review status: criteria provided, single submitter. Criteria: ACMG Guidelines, 2015. Collection method: clinical testing. Allele origin: germline.
Comment: The SLC26A4 c.2234C>T variant is predicted to result in the amino acid substitution p.Thr745Met. This variant was reported in an individual with hearing loss, however information about presence or absence of second variant was not provided (Huang et al. 2018. PubMed ID: 29605365). This variant is reported in 0.010% of alleles in individuals of East Asian descent in gnomAD. At this time, the clinical significance of this variant is uncertain due to the absence of conclusive functional and genetic evidence.

GeneDx
Classification: Uncertain significance. Last evaluated: 2024-12-19. Review status: criteria provided, single submitter. Criteria: GeneDx Variant Classification Process June 2021. Collection method: clinical testing. Allele origin: germline. Affected: yes.
Comment: Observed with a second SLC26A4 variant in a patient with hearing loss in published literature, although additional clinical information and segregation data were not provided (PMID: 36672845); In silico analysis indicates that this missense variant does not alter protein structure/function; This variant is associated with the following publications: (PMID: 29605365, 36672845)

Blueprint Genetics
Classification: Uncertain significance. Last evaluated: 2023-01-13. Review status: criteria provided, single submitter. Criteria: ACMG Guidelines, 2015. Collection method: clinical testing. Allele origin: germline.

Fulgent Genetics
Classification: Uncertain significance for Pendred syndrome; Autosomal recessive nonsyndromic hearing loss 4. Last evaluated: 2021-08-03. Review status: criteria provided, single submitter. Criteria: ACMG Guidelines, 2015. Collection method: clinical testing. Allele origin: unknown.